The following is an entry in ClinVar:

ClinVar aggregate classification (germline): Conflicting classifications of pathogenicity. Review status: criteria provided, conflicting classifications (1 of 4 stars). 5 submissions from 5 submitters: Pathogenic (1); Likely pathogenic (3); Uncertain significance (1). Last evaluated 2025-04-11.

Conditions:
Muscular dystrophy-dystroglycanopathy (congenital with brain and eye anomalies), type A1 (MDDGA1). Also called: COD-MD SYNDROME; Muscular dystrophy-dystroglycanopathy (congenital with brain and eye anomalies), type A, 1; WALKER-WARBURG SYNDROME OR MUSCLE-EYE-BRAIN DISEASE, POMT1-RELATED; Hydrocephalus, agyria and retinal dysplasia; Hard +/- E syndrome; Warburg syndrome. Identifiers: Orphanet 588, Orphanet 899, MedGen C4284790, MONDO:0009364, OMIM 236670.
POMT1-related disorder. Also called: POMT1-related disorders; POMT1-related condition.
Autosomal recessive limb-girdle muscular dystrophy. Identifiers: Orphanet 102015, MedGen C2931907, MONDO:0015152.
Muscular dystrophy-dystroglycanopathy (congenital with impaired intellectual development), type B, 1. Also called: Muscular dystrophy-dystroglycanopathy (congenital with intellectual disability), type B1; MUSCULAR DYSTROPHY, CONGENITAL, POMT1-RELATED. Identifiers: MedGen C5436962, MONDO:0013159, OMIM 613155.
Autosomal recessive limb-girdle muscular dystrophy type 2K. Also called: MUSCULAR DYSTROPHY-DYSTROGLYCANOPATHY (LIMB-GIRDLE), TYPE C, 1; MUSCULAR DYSTROPHY, LIMB-GIRDLE, TYPE 2K. Identifiers: Orphanet 86812, MedGen C1836373, MONDO:0012248, OMIM 609308.
Walker-Warburg congenital muscular dystrophy. Also called: Muscular dystrophy-dystroglycanopathy, type A; Walker-Warburg syndrome. Identifiers: Orphanet 899, MedGen C0265221, MONDO:0000171.

Allele frequency attached by ClinVar (database versions not stated): gnomAD 0.00001; ExAC 0.00002; TOPMed 0.00001.
gnomAD v4.1: 22 of 1,613,984 alleles (0.0014%); highest among the groups gnomAD compares: Middle Eastern, 0.049%; no homozygotes.

Submissions (5):

Baylor Genetics
Classification: Uncertain significance for Muscular dystrophy-dystroglycanopathy (congenital with brain and eye anomalies), type A1. Last evaluated: 2025-04-11. Review status: criteria provided, single submitter. Criteria: ACMG Guidelines, 2015. Collection method: clinical testing. Allele origin: unknown.
Comment: Classified VUS because we curate POMT1 exon 8 variants with regard to MANE isoform NM_001077365.2, not NM_007171.4. Splicing algorithms agree with MANE, showing that the natural splicing site is expected to be after c.699. And this conclusion is strengthened by the benign nature of NM_007171.4(POMT1):c.751C>T(p.Gln251Ter) which is also known as NM_001077365.2(POMT1):c.699+52C>T in ClinVar 95466.

Labcorp Genetics (formerly Invitae), Labcorp
Classification: Likely pathogenic for Muscular dystrophy-dystroglycanopathy (congenital with impaired intellectual development), type B, 1; Walker-Warburg congenital muscular dystrophy; Autosomal recessive limb-girdle muscular dystrophy type 2K. Last evaluated: 2024-05-04. Review status: criteria provided, single submitter. Criteria: Invitae Variant Classification Sherloc (09022015). Collection method: clinical testing. Allele origin: germline.
Comment: This sequence change affects a donor splice site in intron 8 of the POMT1 gene. It is expected to disrupt RNA splicing. Variants that disrupt the donor or acceptor splice site typically lead to a loss of protein function (PMID: 16199547), and loss-of-function variants in POMT1 are known to be pathogenic (PMID: 12369018, 15637732, 16575835). This variant is present in population databases (rs776061161, gnomAD 0.006%). Disruption of this splice site has been observed in individual(s) with clinical features of POMT1-related conditions (PMID: 32528171). ClinVar contains an entry for this variant (Variation ID: 593922). In summary, the currently available evidence indicates that the variant is pathogenic, but additional data are needed to prove that conclusively. Therefore, this variant has been classified as Likely Pathogenic.

Daryl Scott Lab, Baylor College of Medicine
Classification: Likely pathogenic for POMT1-related disorder. Last evaluated: 2024-01-01. Review status: criteria provided, single submitter. Criteria: ACMG Guidelines, 2015. Collection method: clinical testing. Allele origin: paternal. Affected: yes. Observed: 1 heterozygote.
Comment: PVS1, PS4_supporting

Women's Health and Genetics/Laboratory Corporation of America, LabCorp
Classification: Likely pathogenic for Autosomal recessive limb-girdle muscular dystrophy. Last evaluated: 2022-07-14. Review status: criteria provided, single submitter. Criteria: LabCorp Variant Classification Summary - May 2015. Collection method: clinical testing. Allele origin: germline.
Comment: Variant summary: POMT1 c.765+1G>A is located in a canonical splice-site and is predicted to affect mRNA splicing resulting in a significantly altered protein due to either exon skipping, shortening, or inclusion of intronic material. Several computational tools predict a significant impact on normal splicing: One predict the variant abolishes the canonical 5' splicing donor site. However, these predictions have yet to be confirmed by functional studies. The variant allele was found at a frequency of 2.4e-05 in 251038 control chromosomes (gnomAD). c.765+1G>A has been reported in the literature in two individuals reportedly affected with unexplained limb-girdle weakness (example: Topf_2020). This report does not provide unequivocal conclusions about association of the variant with Limb-Girdle Muscular Dystrophy, Autosomal Recessive. To our knowledge, no experimental evidence demonstrating an impact on protein function has been reported. Two clinical diagnostic laboratories have submitted clinical-significance assessments for this variant to ClinVar after 2014 and classified the variant as pathogenic (n=1) and likely pathogenic (n=1). Based on the evidence outlined above, the variant was classified as likely pathogenic.

Eurofins Ntd Llc (ga)
Classification: Pathogenic. Last evaluated: 2017-09-06. Review status: criteria provided, single submitter. Criteria: EGL Classification Definitions 2015. Collection method: clinical testing. Allele origin: germline. Observed: 1 variant allele, 1 heterozygote.

Literature cited by the submitters: PubMed 16199547 (cited by Labcorp Genetics (formerly Invitae), Labcorp); PubMed 12369018 (cited by Labcorp Genetics (formerly Invitae), Labcorp); PubMed 15637732 (cited by Labcorp Genetics (formerly Invitae), Labcorp); PubMed 16575835 (cited by Labcorp Genetics (formerly Invitae), Labcorp); PubMed 32528171 (cited by Labcorp Genetics (formerly Invitae), Labcorp and Women's Health and Genetics/Laboratory Corporation of America, LabCorp); PubMed 35046417 (cited by Women's Health and Genetics/Laboratory Corporation of America, LabCorp).

NM_001077365.2(POMT1):c.699+67G>A

Gene: POMT1 (protein O-mannosyltransferase 1; plus strand). Cytogenetic location: 9q34.13.
Variant type: single nucleotide variant.
Coding change: c.699+67G>A on transcript NM_001077365.2 (MANE Select); 67 bases into the intron after coding-DNA position 699, G replaced by A.
Molecular consequence: intron variant. On other transcripts: missense variant (1), splice donor variant (6).
Genome position (GRCh38, 1-based): chr9:131,510,063, G>A. VCF-style: chr9-131510063-G-A. GRCh37 (hg19) VCF-style: chr9-134385450-G-A.
Other names: c.604G>A, p.Val202Ile (NM_001374689.1); c.603+1G>A (NM_001353198.2, NM_001353197.2); c.765+1G>A (NM_001353193.2, NM_007171.4); c.699+67G>A (NM_001136113.2, NM_001374690.1); c.537+67G>A (NM_001353194.2, NM_001077366.2, NM_001374693.1); c.348+67G>A (NM_001374691.1, NM_001353195.2, NM_001374692.1 and 1 more transcripts); c.609+67G>A (NM_001353196.2); c.309+1G>A (NM_001374695.1); and 3 more; short protein forms V202I.
Identifiers: ClinVar variation 593922 (VCV000593922.15), dbSNP rs776061161, ClinGen allele CA5293387.